The following is an entry in ClinVar:

ClinVar aggregate classification (germline): Uncertain significance. Review status: criteria provided, multiple submitters, no conflicts (2 of 4 stars). 3 submissions from 3 submitters: Uncertain significance (3). Last evaluated 2025-04-06.

Conditions:
Hereditary cancer-predisposing syndrome. Also called: Hereditary neoplastic syndrome; Neoplastic Syndromes, Hereditary; Tumor predisposition; Hereditary Cancer Syndrome. Identifiers: Orphanet 140162, MedGen C0027672, MeSH D009386, MONDO:0015356.
Juvenile polyposis syndrome (JPS). Identifiers: Orphanet 2929, MedGen C0345893, MONDO:0017380, OMIM 174900.
Familial thoracic aortic aneurysm and aortic dissection (TAAD). Also called: Thoracic aortic aneurysms and dissections. Identifiers: Orphanet 91387, MedGen C4707243, MONDO:0019625.

Allele frequency attached by ClinVar (database versions not stated): gnomAD exomes below 0.00001.
gnomAD v4.1: 2 of 1,612,590 alleles (0.00012%); highest among the groups gnomAD compares: Non-Finnish European, 0.00017%; no homozygotes.

Submissions (3):

Ambry Genetics
Classification: Uncertain significance for Hereditary cancer-predisposing syndrome; Familial thoracic aortic aneurysm and aortic dissection. Last evaluated: 2025-04-06. Review status: criteria provided, single submitter. Criteria: Ambry Variant Classification Scheme 2023. Collection method: clinical testing. Allele origin: germline.
Comment: The p.A459T variant (also known as c.1375G>A), located in coding exon 10 of the SMAD4 gene, results from a G to A substitution at nucleotide position 1375. The alanine at codon 459 is replaced by threonine, an amino acid with similar properties. This amino acid position is conserved. In addition, this alteration is predicted to be deleterious by in silico analysis. Based on the available evidence, the clinical significance of this variant remains unclear.

Labcorp Genetics (formerly Invitae), Labcorp
Classification: Uncertain significance for Juvenile polyposis syndrome. Last evaluated: 2024-11-12. Review status: criteria provided, single submitter. Criteria: Invitae Variant Classification Sherloc (09022015). Collection method: clinical testing. Allele origin: germline.
Comment: This sequence change replaces alanine, which is neutral and non-polar, with threonine, which is neutral and polar, at codon 459 of the SMAD4 protein (p.Ala459Thr). This variant is not present in population databases (gnomAD no frequency). This variant has not been reported in the literature in individuals affected with SMAD4-related conditions. ClinVar contains an entry for this variant (Variation ID: 1046007). Invitae Evidence Modeling of protein sequence and biophysical properties (such as structural, functional, and spatial information, amino acid conservation, physicochemical variation, residue mobility, and thermodynamic stability) has been performed for this missense variant. However, the output from this modeling did not meet the statistical confidence thresholds required to predict the impact of this variant on SMAD4 protein function. In summary, the available evidence is currently insufficient to determine the role of this variant in disease. Therefore, it has been classified as a Variant of Uncertain Significance.

Color Diagnostics, LLC DBA Color Health
Classification: Uncertain significance for Hereditary cancer-predisposing syndrome. Last evaluated: 2023-11-20. Review status: criteria provided, single submitter. Criteria: ACMG Guidelines, 2015. Collection method: clinical testing. Allele origin: germline.
Comment: This missense variant replaces alanine with threonine at codon 459 of the SMAD4 protein. Computational prediction is inconclusive regarding the impact of this variant on protein structure and function (internally defined REVEL score threshold 0.5 < inconclusive < 0.7, PMID: 27666373). To our knowledge, functional studies have not been reported for this variant. This variant has not been reported in individuals affected with SMAD4-related disorders in the literature. This variant has not been identified in the general population by the Genome Aggregation Database (gnomAD). The available evidence is insufficient to determine the role of this variant in disease conclusively. Therefore, this variant is classified as a Variant of Uncertain Significance.

NM_005359.6(SMAD4):c.1375G>A (p.Ala459Thr)

Gene: SMAD4 (SMAD family member 4; plus strand). Cytogenetic location: 18q21.2.
Variant type: single nucleotide variant.
Coding change: c.1375G>A on transcript NM_005359.6 (MANE Select); coding-DNA position 1375, G replaced by A.
Protein change: p.Ala459Thr; replaces alanine 459 with threonine.
Molecular consequence: missense variant.
Genome position (GRCh38, 1-based): chr18:51,076,704, G>A. VCF-style: chr18-51076704-G-A. GRCh37 (hg19) VCF-style: chr18-48603074-G-A.
Other names: c.1375G>A (NM_005359.5); short protein forms A459T.
Identifiers: ClinVar variation 1046007 (VCV001046007.9), dbSNP rs1910479958, ClinGen allele CA402465247.